The following is an entry in ClinVar:

ClinVar aggregate classification (germline): Uncertain significance (1 of 4 stars; one submission).

Conditions:
Autosomal recessive limb-girdle muscular dystrophy type 2K. Also called: MUSCULAR DYSTROPHY-DYSTROGLYCANOPATHY (LIMB-GIRDLE), TYPE C, 1; MUSCULAR DYSTROPHY, LIMB-GIRDLE, TYPE 2K. Identifiers: Orphanet 86812, MedGen C1836373, MONDO:0012248, OMIM 609308.
Walker-Warburg congenital muscular dystrophy. Also called: Muscular dystrophy-dystroglycanopathy, type A; Walker-Warburg syndrome. Identifiers: Orphanet 899, MedGen C0265221, MONDO:0000171.
Muscular dystrophy-dystroglycanopathy (congenital with impaired intellectual development), type B, 1. Also called: Muscular dystrophy-dystroglycanopathy (congenital with intellectual disability), type B1; MUSCULAR DYSTROPHY, CONGENITAL, POMT1-RELATED. Identifiers: MedGen C5436962, MONDO:0013159, OMIM 613155.

Submission:

Labcorp Genetics (formerly Invitae), Labcorp
Classification: Uncertain significance for Muscular dystrophy-dystroglycanopathy (congenital with impaired intellectual development), type B, 1; Walker-Warburg congenital muscular dystrophy; Autosomal recessive limb-girdle muscular dystrophy type 2K. Last evaluated: 2025-04-07. Review status: criteria provided, single submitter. Criteria: Invitae Variant Classification Sherloc (09022015). Collection method: clinical testing. Allele origin: germline.
Comment: This sequence change replaces tryptophan, which is neutral and slightly polar, with arginine, which is basic and polar, at codon 551 of the POMT1 protein (p.Trp551Arg). This variant is not present in population databases (gnomAD no frequency). This variant has not been reported in the literature in individuals affected with POMT1-related conditions. ClinVar contains an entry for this variant (Variation ID: 944272). An algorithm developed to predict the effect of missense changes on protein structure and function (PolyPhen-2) suggests that this variant is likely to be disruptive. In summary, the available evidence is currently insufficient to determine the role of this variant in disease. Therefore, it has been classified as a Variant of Uncertain Significance.

NM_001077365.2(POMT1):c.1585T>C (p.Trp529Arg)

Gene: POMT1 (protein O-mannosyltransferase 1; plus strand). Cytogenetic location: 9q34.13.
Variant type: single nucleotide variant.
Coding change: c.1585T>C on transcript NM_001077365.2 (MANE Select); coding-DNA position 1585, T replaced by C.
Protein change: p.Trp529Arg; replaces tryptophan 529 with arginine.
Molecular consequence: missense variant. On other transcripts: non-coding transcript variant (10).
Genome position (GRCh38, 1-based): chr9:131,520,080, T>C. VCF-style: chr9-131520080-T-C. GRCh37 (hg19) VCF-style: chr9-134395467-T-C.
Other names: c.1423T>C, p.Trp475Arg (NM_001077366.2, NM_001353194.2); c.1585T>C, p.Trp529Arg (NM_001136113.2); c.1234T>C, p.Trp412Arg (NM_001136114.2, NM_001353195.2, NM_001374691.1 and 2 more transcripts); c.1651T>C, p.Trp551Arg (NM_001353193.2, NM_007171.4); c.1495T>C, p.Trp499Arg (NM_001353196.2); c.1489T>C, p.Trp497Arg (NM_001353197.2, NM_001353198.2); c.1300T>C, p.Trp434Arg (NM_001353199.2); c.1129T>C, p.Trp377Arg (NM_001353200.2); and 3 more; short protein forms W399R, W377R, W499R, W525R, W529R, W551R, W434R, W456R.
Identifiers: ClinVar variation 944272 (VCV000944272.10), dbSNP rs1949610411, ClinGen allele CA375313001.